The following is an entry in ClinVar:

NM_000179.3(MSH6):c.3404dup (p.Asn1136fs)

Gene: MSH6 (mutS homolog 6; plus strand). Cytogenetic location: 2p16.3.
Variant type: Duplication.
Coding change: c.3404dup on transcript NM_000179.3 (MANE Select); coding-DNA position 3404, one base duplicated (C; older notation c.3404dupC).
Protein change: p.Asn1136fs; shifts the reading frame from asparagine 1136.
Molecular consequence: frameshift variant. On other transcripts: non-coding transcript variant (5).
Genome position (GRCh38, 1-based): chr2:47,803,651, C duplicated; the last of 2 consecutive C bases (chr2:47,803,650-47,803,651); duplicating either gives the same sequence. VCF-style (leftmost placement, unchanged base first): chr2-47803649-A-AC. GRCh37 (hg19) VCF-style: chr2-48030788-A-AC.
Other names: c.3014dup, p.Asn1006fs (NM_001281492.2); c.2498dup, p.Asn834fs (NM_001281493.2, NM_001281494.2, NM_001406811.1 and 6 more transcripts); c.3500dup, p.Asn1168fs (NM_001406795.1, NM_001406802.1); c.3404dup, p.Asn1136fs (NM_001406796.1, NM_001406800.1, NM_001406808.1 and 1 more transcripts); c.3107dup, p.Asn1037fs (NM_001406797.1, NM_001406801.1, NM_001406805.1 and 10 more transcripts); c.3230dup, p.Asn1078fs (NM_001406798.1); c.2879dup, p.Asn961fs (NM_001406799.1, NM_001406806.1, NM_001406807.1); c.2540dup, p.Asn848fs (NM_001406803.1); and 7 more; short protein forms N1006fs, N1037fs, N1078fs, N1080fs, N1110fs, N1136fs, N1138fs, N1168fs.
Identifiers: ClinVar variation 2673746 (VCV002673746.2), dbSNP rs2104484932, ClinGen allele CA2586964922.
Genomic context (GRCh38, chr2:47,803,649, plus strand): 5'-AATAGGCTGTGAGGAAGAGGAGCAGGAAAATGGCAAAGCCTATTGTGTGCTTGTTACTGG[A>AC]CCAAATATGGGGGGCAAGTCTACGCTTATGAGACAGGTAACTGATTCTTAAAGTTTTGTT-3'

ClinVar aggregate classification (germline): Pathogenic. Review status: criteria provided, multiple submitters, no conflicts (2 of 4 stars). 2 submissions from 2 submitters: Pathogenic (2). Last evaluated 2025-08-29.

Conditions:
Lynch syndrome 5 (LYNCH5). Also called: Hereditary non-polyposis colorectal cancer, type 5; Colorectal cancer, hereditary nonpolyposis, type 5. Identifiers: Orphanet 144, MedGen C1833477, MONDO:0013710, OMIM 614350. Disease mechanism: loss of function.
Hereditary nonpolyposis colorectal neoplasms. Identifiers: MedGen C0009405, MeSH D003123.

Submissions (2):

Labcorp Genetics (formerly Invitae), Labcorp
Classification: Pathogenic for Hereditary nonpolyposis colorectal neoplasms. Last evaluated: 2025-08-29. Review status: criteria provided, single submitter. Criteria: Invitae Variant Classification Sherloc (09022015). Collection method: clinical testing. Allele origin: germline.
Comment: This sequence change creates a premature translational stop signal (p.Asn1136Lysfs*28) in the MSH6 gene. It is expected to result in an absent or disrupted protein product. Loss-of-function variants in MSH6 are known to be pathogenic (PMID: 18269114, 24362816). This variant is not present in population databases (gnomAD no frequency). This variant has not been reported in the literature in individuals affected with MSH6-related conditions. ClinVar contains an entry for this variant (Variation ID: 2673746). For these reasons, this variant has been classified as Pathogenic.

Myriad Genetics, Inc.
Classification: Pathogenic for Lynch syndrome 5. Last evaluated: 2023-08-23. Review status: criteria provided, single submitter. Criteria: Myriad Autosomal Dominant, Autosomal Recessive and X-Linked Classification Criteria (2023). Collection method: clinical testing. Allele origin: unknown.
Comment: This variant is considered pathogenic. This variant creates a frameshift predicted to result in premature protein truncation.

Literature cited by the submitters: PubMed 18269114 (cited by Labcorp Genetics (formerly Invitae), Labcorp); PubMed 24362816 (cited by Labcorp Genetics (formerly Invitae), Labcorp).